The following is an entry in ClinVar:

ClinVar aggregate classification (germline): Likely pathogenic (1 of 4 stars; one submission).

Conditions:
Autosomal dominant pseudohypoaldosteronism type 1. Also called: PHA I, AUTOSOMAL DOMINANT; Pseudohypoaldosteronism, Type I, Dominant; Pseudohypoaldosteronism, Type I, Autosomal Dominant. Identifiers: Orphanet 171871, Orphanet 756, MedGen C1449842, MONDO:0008329, OMIM 177735.

Submission:

MVZ Medizinische Genetik Mainz
Classification: Likely pathogenic for Autosomal dominant pseudohypoaldosteronism type 1. Last evaluated: 2025-02-12. Review status: criteria provided, single submitter. Criteria: UK Practice Guidelines For Variant Classification V4 01 2020. Collection method: clinical testing. Allele origin: germline. Inheritance: Autosomal dominant inheritance. Affected: yes. Observed: 1 variant allele.
Comment: ACMG Criteria: PP3_STR,PM5,PM2_SUP,PP4

NM_000901.5(NR3C2):c.2453C>G (p.Ser818Trp)

Gene: NR3C2 (nuclear receptor subfamily 3 group C member 2; minus strand). Cytogenetic location: 4q31.23.
Variant type: single nucleotide variant.
Coding change: c.2453C>G on transcript NM_000901.5 (MANE Select); coding-DNA position 2453, C replaced by G.
Protein change: p.Ser818Trp; replaces serine 818 with tryptophan.
Molecular consequence: missense variant.
Genome position (GRCh38, 1-based): chr4:148,152,526, G>C on the plus strand (C>G on the coding strand, the complement: NR3C2 is on the minus strand). VCF-style: chr4-148152526-G-C. GRCh37 (hg19) VCF-style: chr4-149073677-G-C.
Other names: c.2102C>G, p.Ser701Trp (NM_001166104.2, NM_001354819.1); short protein forms S701W, S818W.
Identifiers: ClinVar variation 3764785 (VCV003764785.1).